The following is an entry in ClinVar:

NM_001267550.2(TTN):c.66160+15C>T

Genes: TTN (titin; minus strand), TTN-AS1 (TTN antisense RNA 1; plus strand). Cytogenetic location: 2q31.2.
Variant type: single nucleotide variant.
Coding change: c.66160+15C>T on transcript NM_001267550.2 (MANE Select); 15 bases into the intron after coding-DNA position 66160, C replaced by T.
Molecular consequence: intron variant.
Genome position (GRCh38, 1-based): chr2:178,582,281, G>A on the plus strand (C>T on the coding strand, the complement: TTN is on the minus strand). VCF-style: chr2-178582281-G-A. GRCh37 (hg19) VCF-style: chr2-179447008-G-A.
Other names: c.38965+15C>T (NM_003319.4); c.39541+15C>T (NM_133437.4); c.39340+15C>T (NM_133432.3); c.58456+15C>T (NM_133378.4); c.61237+15C>T (NM_001256850.1).
Identifiers: ClinVar variation 178199 (VCV000178199.20), dbSNP rs377288086, ClinGen allele CA181751.

ClinVar aggregate classification (germline): Conflicting classifications of pathogenicity. Review status: criteria provided, conflicting classifications (1 of 4 stars). 12 submissions from 8 submitters: Uncertain significance (3); Benign (4); Likely benign (3). 2 of the submissions do not count toward it. Last evaluated 2026-06-01.

Conditions:
Dilated cardiomyopathy 1G (CMD1G). Identifiers: Orphanet 154, MedGen C1858763, MONDO:0011400, OMIM 604145.
Autosomal recessive limb-girdle muscular dystrophy type 2J (LGMDR10). Also called: Limb-girdle muscular dystrophy, type 2J; MUSCULAR DYSTROPHY, LIMB-GIRDLE, AUTOSOMAL RECESSIVE 10. Identifiers: Orphanet 140922, MedGen C1837342, MONDO:0012127, OMIM 608807.
Early-onset myopathy with fatal cardiomyopathy (CMYO5). Also called: Salih Myopathy; CONGENITAL MYOPATHY 5 WITH CARDIOMYOPATHY. Identifiers: Orphanet 289377, MedGen C2673677, MONDO:0012714, OMIM 611705. Disease mechanism: loss of function.
Myopathy, myofibrillar, 9, with early respiratory failure (MFM9). Also called: MYOPATHY, PROXIMAL, WITH EARLY RESPIRATORY MUSCLE INVOLVEMENT; Hereditary myopathy with early respiratory failure; Myopathy, distal, with early respiratory failure, autosomal dominant; EDSTROM MYOPATHY. Identifiers: Orphanet 34521, MedGen C1863599, MONDO:0011362, OMIM 603689, Orphanet 178464.
Tibial muscular dystrophy (TMD). Also called: Udd Distal Myopathy – Tibial Muscular Dystrophy; UDD MYOPATHY; Tibial muscular dystrophy, tardive. Identifiers: Orphanet 609, MedGen C1838244, MONDO:0010870, OMIM 600334.

Allele frequency attached by ClinVar (database versions not stated): ESP Exome Variant Server 0.00009; TOPMed 0.00012; gnomAD 0.00023 and 0.00006; gnomAD exomes 0.00025 and 0.00048; ExAC 0.00062; 1000 Genomes Project 30x 0.00094; 1000 Genomes Project 0.00100.
gnomAD v4.1: 393 of 1,577,548 alleles (0.025%); highest among the groups gnomAD compares: South Asian, 0.4%; 4 homozygotes.

Submissions (12):

Women's Health and Genetics/Laboratory Corporation of America, LabCorp
Classification: Benign. Last evaluated: 2026-06-01. Review status: criteria provided, single submitter. Criteria: LabCorp Variant Classification Summary - May 2015. Collection method: clinical testing. Allele origin: germline.
Comment: Variant summary: TTN c.58456+15C>T alters a non-conserved nucleotide located at a position not widely known to affect splicing. Consensus agreement among computation tools predict no significant impact on normal splicing. However, these predictions have yet to be confirmed by functional studies. The variant allele was found at a frequency of 0.00048 in 216854 control chromosomes, predominantly at a frequency of 0.004 within the South Asian subpopulation in the gnomAD database, including 1 homozygote. The observed variant frequency within South Asian control individuals in the gnomAD database exceeds the estimated maximal expected allele frequency for disease-causing variants in TTN. To our knowledge, no occurrence of c.58456+15C>T in individuals affected with TTN-related conditions and no experimental evidence demonstrating its impact on protein function have been reported. ClinVar contains an entry for this variant (Variation ID: 178199). Based on the evidence outlined above, the variant was classified as benign.

Labcorp Genetics (formerly Invitae), Labcorp
Classification: Benign for Dilated cardiomyopathy 1G; Autosomal recessive limb-girdle muscular dystrophy type 2J. Last evaluated: 2025-12-23. Review status: criteria provided, single submitter. Criteria: Invitae Variant Classification Sherloc (09022015). Collection method: clinical testing. Allele origin: germline.

Blueprint Genetics
Classification: Likely benign. Last evaluated: 2024-04-24. Review status: criteria provided, single submitter. Criteria: ACMG Guidelines, 2015. Collection method: clinical testing. Allele origin: germline.

Illumina Laboratory Services, Illumina
Classification: Benign for Myopathy, myofibrillar, 9, with early respiratory failure. Last evaluated: 2018-01-13. Review status: criteria provided, single submitter. Criteria: ICSL Variant Classification Criteria 13 December 2019. Collection method: clinical testing. Allele origin: germline.
Comment: This variant was observed in the ICSL laboratory as part of a predisposition screen in an ostensibly healthy population. It had not been previously curated by ICSL or reported in the Human Gene Mutation Database (HGMD: prior to June 1st, 2018), and was therefore a candidate for classification through an automated scoring system. Utilizing variant allele frequency, disease prevalence and penetrance estimates, and inheritance mode, an automated score was calculated to assess if this variant is too frequent to cause the disease. Based on the score and internal cut-off values, a variant classified as benign is not then subjected to further curation. The score for this variant resulted in a classification of benign for this disease.

Illumina Laboratory Services, Illumina
Classification: Uncertain significance for Early-onset myopathy with fatal cardiomyopathy. Last evaluated: 2018-01-13. Review status: criteria provided, single submitter. Criteria: ICSL Variant Classification Criteria 13 December 2019. Collection method: clinical testing. Allele origin: germline.

Illumina Laboratory Services, Illumina
Classification: Uncertain significance for Dilated cardiomyopathy 1G. Last evaluated: 2018-01-13. Review status: criteria provided, single submitter. Criteria: ICSL Variant Classification Criteria 13 December 2019. Collection method: clinical testing. Allele origin: germline.

Illumina Laboratory Services, Illumina
Classification: Uncertain significance for Autosomal recessive limb-girdle muscular dystrophy type 2J. Last evaluated: 2018-01-13. Review status: criteria provided, single submitter. Criteria: ICSL Variant Classification Criteria 13 December 2019. Collection method: clinical testing. Allele origin: germline.

Illumina Laboratory Services, Illumina
Classification: Benign for Tibial muscular dystrophy. Last evaluated: 2018-01-13. Review status: criteria provided, single submitter. Criteria: ICSL Variant Classification Criteria 13 December 2019. Collection method: clinical testing. Allele origin: germline.
Comment: the same text as in the submission from Illumina Laboratory Services, Illumina above.

GeneDx
Classification: Likely benign. Last evaluated: 2017-08-23. Review status: criteria provided, single submitter. Criteria: GeneDx Variant Classification (06012015). Collection method: clinical testing. Allele origin: germline. Affected: yes.
Comment: This variant is considered likely benign or benign based on one or more of the following criteria: it is a conservative change, it occurs at a poorly conserved position in the protein, it is predicted to be benign by multiple in silico algorithms, and/or has population frequency not consistent with disease.

Laboratory for Molecular Medicine, Mass General Brigham Personalized Medicine
Classification: Likely benign. Last evaluated: 2012-03-19. Review status: criteria provided, single submitter. Criteria: LMM Criteria. Collection method: clinical testing. Allele origin: germline. Observed: 1 variant allele.
Comment: 58456+15C>T in intron 263 of TTN: This variant is not expected to have clinical significance because it is not located within the splice consensus sequence. It has been identified in 1/2914 African American chromosomes from a broad populati on by the NHLBI Exome Sequencing Project. 58 456+15C>T in intron 263 of TTN (allele frequency = 1/2914) **

Clinical Genetics, Academic Medical Center
Classification: Benign. Review status: no assertion criteria provided. Collection method: clinical testing. Allele origin: germline. Affected: yes. Study: VKGL Data-share Consensus. Not counted in ClinVar's aggregate classification.

Genome Diagnostics Laboratory, University Medical Center Utrecht
Classification: Benign. Review status: no assertion criteria provided. Collection method: clinical testing. Allele origin: germline. Affected: yes. Study: VKGL Data-share Consensus. Not counted in ClinVar's aggregate classification.